The following is an entry in ClinVar:

ClinVar aggregate classification (germline): Likely benign (1 of 4 stars; one submission).

Submission:

CeGaT Center for Human Genetics Tuebingen
Classification: Likely benign. Last evaluated: 2026-05-01. Review status: criteria provided, single submitter. Criteria: CeGaT Center For Human Genetics Tuebingen Variant Classification Criteria Version 2. Collection method: clinical testing. Allele origin: germline. Affected: yes. Observed: 2 variant alleles.
Comment: MYH11: PM2:Supporting, BP4, BP7

NM_002474.3(MYH11):c.4456C>T (p.Leu1486=)

Genes: MYH11 (myosin heavy chain 11; minus strand), NDE1 (nudE neurodevelopment protein 1; plus strand). Cytogenetic location: 16p13.11.
Variant type: single nucleotide variant.
Coding change: c.4456C>T on transcript NM_002474.3 (MANE Select); coding-DNA position 4456, C replaced by T.
Protein change: p.Leu1486=; no amino-acid change (leucine 1486 retained).
Molecular consequence: synonymous variant. On other transcripts: intron variant (2).
Genome position (GRCh38, 1-based): chr16:15,721,544, G>A on the plus strand (C>T on the coding strand, the complement: MYH11 is on the minus strand). VCF-style: chr16-15721544-G-A. GRCh37 (hg19) VCF-style: chr16-15815401-G-A.
Other names: c.4477C>T, p.Leu1493= (NM_001040113.2, NM_001040114.2); c.4456C>T, p.Leu1486= (NM_022844.3); c.948-2647G>A (NM_001143979.2, NM_017668.3).
Identifiers: ClinVar variation 4873233 (VCV004873233.2).
Genomic context (GRCh38, chr16:15,721,544, plus strand): 5'-TGGTCCGCTCGAGTTCCTCTTTGGCTTCCAAGGCCTCTTCAAGGGCCCGAGCCAGGGACA[G>A]GGCCTTGGTTTCCTTCTCCCTGGCTTCTGCCTCAGCTCTGTCCCTCTCATCCGCGTATTT-3'
Protein context (NP_002465.1, residues 1476-1496): AEAREKETKA[Leu1486=]SLARALEEAL